The following is an entry in ClinVar:

NM_000548.5(TSC2):c.2811T>A (p.Ser937Arg)

Gene: TSC2 (TSC complex subunit 2; plus strand). Cytogenetic location: 16p13.3.
Variant type: single nucleotide variant.
Coding change: c.2811T>A on transcript NM_000548.5 (MANE Select); coding-DNA position 2811, T replaced by A.
Protein change: p.Ser937Arg; replaces serine 937 with arginine.
Molecular consequence: missense variant.
Genome position (GRCh38, 1-based): chr16:2,076,559, T>A. VCF-style: chr16-2076559-T-A. GRCh37 (hg19) VCF-style: chr16-2126560-T-A.
Other names: c.2811T>A, p.Ser937Arg (NM_001077183.3, NM_001114382.3, NM_001363528.2 and 6 more transcripts); c.2700T>A, p.Ser900Arg (NM_001318827.2, NM_001406670.1, NM_001406678.1); c.2664T>A, p.Ser888Arg (NM_001318829.2, NM_001406675.1, NM_001406676.1 and 1 more transcripts); c.2211T>A, p.Ser737Arg (NM_001318831.2, NM_001406680.1, NM_001406682.1 and 6 more transcripts); c.2844T>A, p.Ser948Arg (NM_001318832.2); c.2901T>A, p.Ser967Arg (NM_001406667.1, NM_001406668.1); c.2799T>A, p.Ser933Arg (NM_001406671.1, NM_001406673.1); c.2754T>A, p.Ser918Arg (NM_001406677.1); and 3 more; short protein forms S783R, S937R, S489R, S967R, S737R, S888R, S403R, S900R.
Identifiers: ClinVar variation 1796342 (VCV001796342.2), dbSNP rs2543932236, ClinGen allele CA394280152.

ClinVar aggregate classification (germline): Uncertain significance (1 of 4 stars; one submission).

Conditions:
Hereditary cancer-predisposing syndrome. Also called: Tumor predisposition; Hereditary Cancer Syndrome; Neoplastic Syndromes, Hereditary; Hereditary neoplastic syndrome. Identifiers: Orphanet 140162, MedGen C0027672, MeSH D009386, MONDO:0015356.

Submission:

Ambry Genetics
Classification: Uncertain significance for Hereditary cancer-predisposing syndrome. Last evaluated: 2020-11-05. Review status: criteria provided, single submitter. Criteria: Ambry Variant Classification Scheme 2023. Collection method: clinical testing. Allele origin: germline.
Comment: The p.S937R variant (also known as c.2811T>A), located in coding exon 24 of the TSC2 gene, results from a T to A substitution at nucleotide position 2811. The serine at codon 937 is replaced by arginine, an amino acid with dissimilar properties. This amino acid position is highly conserved in available vertebrate species. In addition, this alteration is predicted to be deleterious by in silico analysis. Since supporting evidence is limited at this time, the clinical significance of this alteration remains unclear.